The following is an entry in ClinVar:

NM_001080517.3(SETD5):c.1253C>G (p.Pro418Arg)

Gene: SETD5 (SET domain containing 5; plus strand). Cytogenetic location: 3p25.3.
Variant type: single nucleotide variant.
Coding change: c.1253C>G on transcript NM_001080517.3 (MANE Select); coding-DNA position 1253, C replaced by G.
Protein change: p.Pro418Arg; replaces proline 418 with arginine.
Molecular consequence: missense variant.
Genome position (GRCh38, 1-based): chr3:9,445,113, C>G. VCF-style: chr3-9445113-C-G. GRCh37 (hg19) VCF-style: chr3-9486797-C-G.
Other names: c.959C>G, p.Pro320Arg (NM_001292043.2, NM_001349451.2); short protein forms P320R, P418R.
Identifiers: ClinVar variation 2500413 (VCV002500413.1), dbSNP rs2472825872, ClinGen allele CA351692255.

ClinVar aggregate classification (germline): Uncertain significance (1 of 4 stars; one submission).

Allele frequency attached by ClinVar (database versions not stated): gnomAD exomes below 0.00001.
gnomAD v4.1: 2 of 1,613,908 alleles (0.00012%); highest among the groups gnomAD compares: Non-Finnish European, 0.00017%; no homozygotes.

Submission:

GeneDx
Classification: Uncertain significance. Last evaluated: 2022-10-26. Review status: criteria provided, single submitter. Criteria: GeneDx Variant Classification Process June 2021. Collection method: clinical testing. Allele origin: germline. Affected: yes.
Comment: Not observed at significant frequency in large population cohorts (gnomAD); In silico analysis supports that this missense variant does not alter protein structure/function; Has not been previously published as pathogenic or benign to our knowledge